The following is an entry in ClinVar:

ClinVar aggregate classification (germline): Uncertain significance. Review status: criteria provided, multiple submitters, no conflicts (2 of 4 stars). 3 submissions from 3 submitters: Uncertain significance (3). Last evaluated 2025-11-17.

Conditions:
Hereditary breast ovarian cancer syndrome. Also called: Breast and ovarian cancer; BRCA1- and BRCA2-Associated Hereditary Breast and Ovarian Cancer; Hereditary breast and ovarian cancer; Hereditary breast and ovarian cancer syndrome (HBOC); Hereditary breast and/or ovarian cancer syndrome; Hereditary breast and ovarian cancer syndrome. Identifiers: Orphanet 145, MedGen C0677776, MeSH D061325, MONDO:0003582. Disease mechanism: loss of function.
Hereditary cancer-predisposing syndrome. Also called: Tumor predisposition; Hereditary neoplastic syndrome; Neoplastic Syndromes, Hereditary; Hereditary Cancer Syndrome. Identifiers: Orphanet 140162, MedGen C0027672, MeSH D009386, MONDO:0015356.

Submissions (3):

Ambry Genetics
Classification: Uncertain significance for Hereditary cancer-predisposing syndrome. Last evaluated: 2025-11-17. Review status: criteria provided, single submitter. Criteria: Ambry Variant Classification Scheme 2023. Collection method: clinical testing. Allele origin: germline.
Comment: The c.1650_1652delGGA variant (also known as p.E550del) is located in coding exon 9 of the BRCA2 gene. This variant results from an in-frame GGA deletion at nucleotide positions 1650 to 1652. This results in the in-frame deletion of a glutamic acid at codon 550. This amino acid position is not well conserved in available vertebrate species. In addition, the in silico prediction for this alteration is inconclusive (Choi Y et al. PLoS ONE. 2012; 7(10):e46688). Based on the available evidence, the clinical significance of this variant remains unclear.

Labcorp Genetics (formerly Invitae), Labcorp
Classification: Uncertain significance for Hereditary breast ovarian cancer syndrome. Last evaluated: 2025-05-07. Review status: criteria provided, single submitter. Criteria: Invitae Variant Classification Sherloc (09022015). Collection method: clinical testing. Allele origin: germline.
Comment: This variant, c.1650_1652del, results in the deletion of 1 amino acid(s) of the BRCA2 protein (p.Glu550del), but otherwise preserves the integrity of the reading frame. This variant is not present in population databases (gnomAD no frequency). This variant has not been reported in the literature in individuals affected with BRCA2-related conditions. ClinVar contains an entry for this variant (Variation ID: 858939). Experimental studies and prediction algorithms are not available or were not evaluated, and the functional significance of this variant is currently unknown. In summary, the available evidence is currently insufficient to determine the role of this variant in disease. Therefore, it has been classified as a Variant of Uncertain Significance.

Quest Diagnostics Nichols Institute San Juan Capistrano
Classification: Uncertain significance. Last evaluated: 2023-10-25. Review status: criteria provided, single submitter. Criteria: Quest Diagnostics criteria. Collection method: clinical testing. Allele origin: unknown.
Comment: The BRCA2 c.1650_1652del (p.Glu550del) variant has not been reported in individuals with BRCA2-related conditions in the published literature. The frequency of this variant in the general population, 0.0000066 (1/152244 chromosomes (Genome Aggregation Database)), is uninformative in the assessment of its pathogenicity. Based on the available information, we are unable to determine the clinical significance of this variant.

NM_000059.4(BRCA2):c.1647GGA[1] (p.Glu550del)

Gene: BRCA2 (BRCA2 DNA repair associated; plus strand). Cytogenetic location: 13q13.1.
Variant type: Microsatellite.
Coding change: c.1647GGA[1] on transcript NM_000059.4 (MANE Select); one copy of the 3-base unit GGA starting at c.1647; the reference has two copies in a row; one copy, 3 bases deleted.
Protein change: p.Glu550del; deletes glutamic acid 550.
Molecular consequence: inframe deletion.
Genome position (GRCh38, 1-based): chr13:32,333,128-32,333,130, GGA deleted; deleting any 3 consecutive bases within chr13:32,333,124-32,333,130 gives the same sequence; the position shown is the placement nearest the transcript's 3' end. VCF-style (leftmost placement, unchanged base first): chr13-32333123-AAGG-A. GRCh37 (hg19) VCF-style: chr13-32907260-AAGG-A.
Other names: c.1650_1652delGGA (NM_000059.3); short protein forms E550del.
Identifiers: ClinVar variation 858939 (VCV000858939.11), dbSNP rs2072418473, ClinGen allele CA916079967.